The following is an entry in ClinVar:

ClinVar aggregate classification (germline): Likely pathogenic (1 of 4 stars; one submission).

Submission:

Labcorp Genetics (formerly Invitae), Labcorp
Classification: Likely pathogenic. Last evaluated: 2024-12-02. Review status: criteria provided, single submitter. Criteria: Invitae Variant Classification Sherloc (09022015). Collection method: clinical testing. Allele origin: germline.
Comment: This sequence change affects an acceptor splice site in intron 7 of the RTN4IP1 gene. It is expected to disrupt RNA splicing. Variants that disrupt the donor or acceptor splice site typically lead to a loss of protein function (PMID: 16199547), and loss-of-function variants in RTN4IP1 are known to be pathogenic (PMID: 26593267). This variant is not present in population databases (gnomAD no frequency). This variant has not been reported in the literature in individuals affected with RTN4IP1-related conditions. ClinVar contains an entry for this variant (Variation ID: 1486837). Algorithms developed to predict the effect of sequence changes on RNA splicing suggest that this variant may disrupt the consensus splice site. In summary, the currently available evidence indicates that the variant is pathogenic, but additional data are needed to prove that conclusively. Therefore, this variant has been classified as Likely Pathogenic.

Literature cited by the submitters: PubMed 16199547; PubMed 26593267.

NM_032730.5(RTN4IP1):c.991-2A>G

Gene: RTN4IP1 (reticulon 4 interacting protein 1; minus strand). Cytogenetic location: 6q21.
Variant type: single nucleotide variant.
Coding change: c.991-2A>G on transcript NM_032730.5 (MANE Select); the canonical splice acceptor site of the intron before coding-DNA position 991, A replaced by G.
Molecular consequence: splice acceptor variant.
Genome position (GRCh38, 1-based): chr6:106,583,422, T>C on the plus strand (A>G on the coding strand, the complement: RTN4IP1 is on the minus strand). VCF-style: chr6-106583422-T-C. GRCh37 (hg19) VCF-style: chr6-107031297-T-C.
Other names: c.691-2A>G (NM_001318746.1).
Identifiers: ClinVar variation 1486837 (VCV001486837.6), dbSNP rs2114628933, ClinGen allele CA365150989.